The following is an entry in ClinVar:

ClinVar aggregate classification (germline): Uncertain significance (1 of 4 stars; one submission).

Conditions:
Focal segmental glomerulosclerosis 5 (FSGS5). Identifiers: Orphanet 656, MedGen C2750475, MONDO:0013191, OMIM 613237.
Charcot-Marie-Tooth disease dominant intermediate E. Also called: CHARCOT-MARIE-TOOTH NEUROPATHY WITH FOCAL SEGMENTAL GLOMERULONEPHRITIS. Identifiers: Orphanet 93114, MedGen C4302667, MONDO:0013758, OMIM 614455.

Submission:

Labcorp Genetics (formerly Invitae), Labcorp
Classification: Uncertain significance for Charcot-Marie-Tooth disease dominant intermediate E; Focal segmental glomerulosclerosis 5. Last evaluated: 2022-10-04. Review status: criteria provided, single submitter. Criteria: Invitae Variant Classification Sherloc (09022015). Collection method: clinical testing. Allele origin: germline.
Comment: In summary, the available evidence is currently insufficient to determine the role of this variant in disease. Therefore, it has been classified as a Variant of Uncertain Significance. Algorithms developed to predict the effect of sequence changes on RNA splicing suggest that this variant may create or strengthen a splice site. Advanced modeling of protein sequence and biophysical properties (such as structural, functional, and spatial information, amino acid conservation, physicochemical variation, residue mobility, and thermodynamic stability) performed at Invitae indicates that this missense variant is not expected to disrupt INF2 protein function. This variant has not been reported in the literature in individuals affected with INF2-related conditions. This variant is not present in population databases (gnomAD no frequency). This sequence change replaces cysteine, which is neutral and slightly polar, with serine, which is neutral and polar, at codon 526 of the INF2 protein (p.Cys526Ser).

NM_022489.4(INF2):c.1576T>A (p.Cys526Ser)

Gene: INF2 (inverted formin 2; plus strand). Cytogenetic location: 14q32.33.
Variant type: single nucleotide variant.
Coding change: c.1576T>A on transcript NM_022489.4 (MANE Select); coding-DNA position 1576, T replaced by A.
Protein change: p.Cys526Ser; replaces cysteine 526 with serine.
Molecular consequence: missense variant.
Genome position (GRCh38, 1-based): chr14:104,707,843, T>A. VCF-style: chr14-104707843-T-A. GRCh37 (hg19) VCF-style: chr14-105174180-T-A.
Other names: c.1576T>A, p.Cys526Ser (NM_001031714.4); short protein forms C526S.
Identifiers: ClinVar variation 1720937 (VCV001720937.5), dbSNP rs981093558, ClinGen allele CA391217560.